The following is an entry in ClinVar:

NM_000540.3(RYR1):c.2856A>G (p.Thr952=)

Gene: RYR1 (ryanodine receptor 1; plus strand). Cytogenetic location: 19q13.2.
Variant type: single nucleotide variant.
Coding change: c.2856A>G on transcript NM_000540.3 (MANE Select); coding-DNA position 2856, A replaced by G.
Protein change: p.Thr952=; no amino-acid change (threonine 952 retained).
Molecular consequence: synonymous variant.
Genome position (GRCh38, 1-based): chr19:38,464,708, A>G. VCF-style: chr19-38464708-A-G. GRCh37 (hg19) VCF-style: chr19-38955348-A-G.
Other names: c.2856A>G, p.Thr952= (NM_001042723.2).
Identifiers: ClinVar variation 3073814 (VCV003073814.1), dbSNP rs1472399728, ClinGen allele CA507234058.

ClinVar aggregate classification (germline): Likely benign (1 of 4 stars; one submission).

Conditions:
Malignant hyperthermia, susceptibility to, 1 (MHS1). Also called: Anesthesia related hyperthermia; Malignant hyperpyrexia; Fulminating hyperpyrexia; Pharmacogenic myopathy; RYR1-Related Malignant Hyperthermia Susceptibility; Malignant hyperthermia suceptibility 1. Identifiers: Orphanet 423, MedGen C2930980, MONDO:0007783, OMIM 145600.

gnomAD v4.1: 2 of 1,586,370 alleles (0.00013%); highest among the groups gnomAD compares: Non-Finnish European, 0.00017%; no homozygotes.

Submission:

All of Us Research Program, National Institutes of Health
Classification: Likely benign for Malignant hyperthermia, susceptibility to, 1. Last evaluated: 2023-10-06. Review status: criteria provided, single submitter. Criteria: ACMG Guidelines, 2015. Collection method: clinical testing. Allele origin: germline. Inheritance: Autosomal dominant inheritance. Observed: 1 variant allele, 1 heterozygote.
Comment: This study involves interpretation of variants in research participants for the purpose of population health screening. Participant phenotype was not available at the time of variant classification. Additional details can be found in publication PMID: 35346344, PMCID: PMC8962531